The following is an entry in ClinVar:

ClinVar aggregate classification (germline): Uncertain significance (1 of 4 stars; one submission).

Conditions:
Hereditary cancer-predisposing syndrome. Also called: Hereditary Cancer Syndrome; Hereditary neoplastic syndrome; Neoplastic Syndromes, Hereditary; Tumor predisposition. Identifiers: Orphanet 140162, MedGen C0027672, MeSH D009386, MONDO:0015356.

Submission:

Ambry Genetics
Classification: Uncertain significance for Hereditary cancer-predisposing syndrome. Last evaluated: 2021-08-18. Review status: criteria provided, single submitter. Criteria: Ambry Variant Classification Scheme 2023. Collection method: clinical testing. Allele origin: germline.
Comment: The p.N515K variant (also known as c.1545T>G), located in coding exon 6 of the BLM gene, results from a T to G substitution at nucleotide position 1545. The asparagine at codon 515 is replaced by lysine, an amino acid with similar properties. This amino acid position is conserved. In addition, this alteration is predicted to be tolerated by in silico analysis. Since supporting evidence is limited at this time, the clinical significance of this alteration remains unclear.

NM_000057.4(BLM):c.1545T>G (p.Asn515Lys)

Gene: BLM (BLM RecQ like helicase; plus strand). Cytogenetic location: 15q26.1.
Variant type: single nucleotide variant.
Coding change: c.1545T>G on transcript NM_000057.4 (MANE Select); coding-DNA position 1545, T replaced by G.
Protein change: p.Asn515Lys; replaces asparagine 515 with lysine.
Molecular consequence: missense variant.
Genome position (GRCh38, 1-based): chr15:90,760,918, T>G. VCF-style: chr15-90760918-T-G. GRCh37 (hg19) VCF-style: chr15-91304148-T-G.
Other names: c.1545T>G, p.Asn515Lys (NM_001287246.2, NM_001287247.2); c.420T>G, p.Asn140Lys (NM_001287248.2); short protein forms N140K, N515K.
Identifiers: ClinVar variation 1774928 (VCV001774928.2), dbSNP rs2151158452, ClinGen allele CA393843292.